The following is an entry in ClinVar:

NM_012062.5(DNM1L):c.250+191G>T

Gene: DNM1L (dynamin 1 like; plus strand). Cytogenetic location: 12p11.21.
Variant type: single nucleotide variant.
Coding change: c.250+191G>T on transcript NM_012062.5 (MANE Select); 191 bases into the intron after coding-DNA position 250, G replaced by T.
Molecular consequence: intron variant.
Genome position (GRCh38, 1-based): chr12:32,701,753, G>T. VCF-style: chr12-32701753-G-T. GRCh37 (hg19) VCF-style: chr12-32854687-G-T.
Other names: c.250+191G>T (NM_001278464.2, NM_001278465.2, NM_001330380.2 and 3 more transcripts); c.45+191G>T (NM_001278466.2).
Identifiers: ClinVar variation 680942 (VCV000680942.1), dbSNP rs143274691, ClinGen allele CA235235960.

ClinVar aggregate classification (germline): Likely benign (1 of 4 stars; one submission).

Allele frequency attached by ClinVar (database versions not stated): 1000 Genomes Project 0.00978; gnomAD 0.01025 and 0.01093; 1000 Genomes Project 30x 0.01093; TOPMed 0.01150.
gnomAD v4.1: 1,546 of 151,642 alleles (1%); highest among the groups gnomAD compares: African/African-American, 3.4%; 34 homozygotes.

Submission:

GeneDx
Classification: Likely benign. Last evaluated: 2018-06-14. Review status: criteria provided, single submitter. Criteria: GeneDx Variant Classification (06012015). Collection method: clinical testing. Allele origin: germline. Affected: yes.
Comment: This variant is considered likely benign or benign based on one or more of the following criteria: it is a conservative change, it occurs at a poorly conserved position in the protein, it is predicted to be benign by multiple in silico algorithms, and/or has population frequency not consistent with disease.